The following is an entry in ClinVar:

NM_031844.3(HNRNPU):c.2144G>A (p.Arg715His)

Gene: HNRNPU (heterogeneous nuclear ribonucleoprotein U; minus strand). Cytogenetic location: 1q44.
Variant type: single nucleotide variant.
Coding change: c.2144G>A on transcript NM_031844.3 (MANE Select); coding-DNA position 2144, G replaced by A.
Protein change: p.Arg715His; replaces arginine 715 with histidine.
Molecular consequence: missense variant.
Genome position (GRCh38, 1-based): chr1:244,855,927, C>T on the plus strand (G>A on the coding strand, the complement: HNRNPU is on the minus strand). VCF-style: chr1-244855927-C-T. GRCh37 (hg19) VCF-style: chr1-245019229-C-T.
Other names: c.2087G>A, p.Arg696His (NM_004501.3); short protein forms R696H, R715H.
Identifiers: ClinVar variation 2847379 (VCV002847379.3), dbSNP rs1359576211, ClinGen allele CA345487596.

ClinVar aggregate classification (germline): Uncertain significance (1 of 4 stars; one submission).

Conditions:
Developmental and epileptic encephalopathy, 54. Also called: Epileptic encephalopathy, early infantile, 54; HNRNPU-Related Neurodevelopmental Disorder. Identifiers: MedGen C4479319, MONDO:0033363, OMIM 617391.

Allele frequency attached by ClinVar (database versions not stated): gnomAD exomes 0.00001; gnomAD 0.00002.

Submission:

Labcorp Genetics (formerly Invitae), Labcorp
Classification: Uncertain significance for Developmental and epileptic encephalopathy, 54. Last evaluated: 2023-10-06. Review status: criteria provided, single submitter. Criteria: Invitae Variant Classification Sherloc (09022015). Collection method: clinical testing. Allele origin: germline.
Comment: This sequence change replaces arginine, which is basic and polar, with histidine, which is basic and polar, at codon 715 of the HNRNPU protein (p.Arg715His). This variant is present in population databases (no rsID available, gnomAD 0.004%). This variant has not been reported in the literature in individuals affected with HNRNPU-related conditions. Advanced modeling of protein sequence and biophysical properties (such as structural, functional, and spatial information, amino acid conservation, physicochemical variation, residue mobility, and thermodynamic stability) has been performed at Invitae for this missense variant, however the output from this modeling did not meet the statistical confidence thresholds required to predict the impact of this variant on HNRNPU protein function. In summary, the available evidence is currently insufficient to determine the role of this variant in disease. Therefore, it has been classified as a Variant of Uncertain Significance.